The following is an entry in ClinVar:

ClinVar aggregate classification (germline): Likely pathogenic (1 of 4 stars; one submission).

Conditions:
Inborn genetic diseases. Identifiers: MedGen C0950123, MeSH D030342.

Submission:

Ambry Genetics
Classification: Likely pathogenic for Inborn genetic diseases. Last evaluated: 2025-09-11. Review status: criteria provided, single submitter. Criteria: Ambry Variant Classification Scheme 2023. Collection method: clinical testing. Allele origin: germline.
Comment: The c.1133+1G>T intronic alteration consists of a G to T substitution one nucleotide after coding exon 14 of the GK gene. Alterations that disrupt the canonical splice site are expected to cause aberrant splicing, resulting in an abnormal protein or a transcript that is subject to nonsense-mediated mRNA decay. This variant was not reported in population-based cohorts in the Genome Aggregation Database (gnomAD). This nucleotide position is highly conserved in available vertebrate species. In silico splice site analysis predicts that this alteration will weaken the native splice donor site and will result in the creation or strengthening of a novel splice donor site. Based on the available evidence, this alteration is classified as likely pathogenic.

NM_001205019.2(GK):c.1151+1G>T

Gene: GK (glycerol kinase; plus strand). Cytogenetic location: Xp21.2.
Variant type: single nucleotide variant.
Coding change: c.1151+1G>T on transcript NM_001205019.2 (MANE Select); the canonical splice donor site of the intron after coding-DNA position 1151, G replaced by T.
Molecular consequence: splice donor variant.
Genome position (GRCh38, 1-based): chrX:30,719,516, G>T. VCF-style: chrX-30719516-G-T. GRCh37 (hg19) VCF-style: chrX-30737633-G-T.
Other names: c.1217+1G>T (NM_001437590.1, NM_001399987.1); c.1151+1G>T (NM_203391.4); c.1133+1G>T (NM_001128127.3, NM_000167.6).
Identifiers: ClinVar variation 4263940 (VCV004263940.1).